The following is an entry in ClinVar:

ClinVar aggregate classification (germline): Uncertain significance (1 of 4 stars; one submission).

Allele frequency attached by ClinVar (database versions not stated): TOPMed below 0.00001; gnomAD exomes below 0.00001.
gnomAD v4.1: 3 of 1,612,238 alleles (0.00019%); highest among the groups gnomAD compares: Admixed American, 0.0017%; no homozygotes.

Submission:

Labcorp Genetics (formerly Invitae), Labcorp
Classification: Uncertain significance. Last evaluated: 2025-12-15. Review status: criteria provided, single submitter. Criteria: Invitae Variant Classification Sherloc (09022015). Collection method: clinical testing. Allele origin: germline.
Comment: This sequence change replaces histidine, which is basic and polar, with tyrosine, which is neutral and polar, at codon 664 of the LSS protein (p.His664Tyr). This variant is not present in population databases (gnomAD no frequency). This variant has not been reported in the literature in individuals affected with LSS-related conditions. ClinVar contains an entry for this variant (Variation ID: 2695655). An algorithm developed to predict the effect of missense changes on protein structure and function outputs the following: PolyPhen-2: "Benign". The tyrosine amino acid residue is found in multiple mammalian species, which suggests that this missense change does not adversely affect protein function. In summary, the available evidence is currently insufficient to determine the role of this variant in disease. Therefore, it has been classified as a Variant of Uncertain Significance.

NM_002340.6(LSS):c.1990C>T (p.His664Tyr)

Gene: LSS (lanosterol synthase; minus strand). Cytogenetic location: 21q22.3.
Variant type: single nucleotide variant.
Coding change: c.1990C>T on transcript NM_002340.6 (MANE Select); coding-DNA position 1990, C replaced by T.
Protein change: p.His664Tyr; replaces histidine 664 with tyrosine.
Molecular consequence: missense variant.
Genome position (GRCh38, 1-based): chr21:46,191,958, G>A on the plus strand (C>T on the coding strand, the complement: LSS is on the minus strand). VCF-style: chr21-46191958-G-A. GRCh37 (hg19) VCF-style: chr21-47611872-G-A.
Other names: c.1990C>T, p.His664Tyr (NM_001001438.3); c.1957C>T, p.His653Tyr (NM_001145436.2); c.1750C>T, p.His584Tyr (NM_001145437.2); short protein forms H584Y, H664Y, H653Y.
Identifiers: ClinVar variation 2695655 (VCV002695655.3), dbSNP rs2079822441, ClinGen allele CA410544597.